The following is an entry in ClinVar:

NM_138704.4(NSMCE3):c.599A>G (p.Asp200Gly)

Genes: ENTREP2 (endosomal transmembrane epsin interactor 2; minus strand), NSMCE3 (NSE3 homolog, SMC5-SMC6 complex component; minus strand). Cytogenetic location: 15q13.1.
Variant type: single nucleotide variant.
Coding change: c.599A>G on transcript NM_138704.4 (MANE Select); coding-DNA position 599, A replaced by G.
Protein change: p.Asp200Gly; replaces aspartic acid 200 with glycine.
Molecular consequence: missense variant. On other transcripts: intron variant (5).
Genome position (GRCh38, 1-based): chr15:29,269,107, T>C on the plus strand (A>G on the coding strand, the complement: NSMCE3 is on the minus strand). VCF-style: chr15-29269107-T-C. GRCh37 (hg19) VCF-style: chr15-29561311-T-C.
Other names: c.-12-16629A>G (NM_001387217.1, NM_001387215.1, NM_001387216.1); c.277-16629A>G (NM_001387214.1, NM_015307.2); short protein forms D200G.
Identifiers: ClinVar variation 2172715 (VCV002172715.1), dbSNP rs370108990, ClinGen allele CA7446093.

ClinVar aggregate classification (germline): Uncertain significance (1 of 4 stars; one submission).

Allele frequency attached by ClinVar (database versions not stated): gnomAD exomes 0.00001; ExAC 0.00002; gnomAD 0.00012; TOPMed 0.00014; ESP Exome Variant Server 0.00023.
gnomAD v4.1: 43 of 1,614,104 alleles (0.0027%); highest among the groups gnomAD compares: African/African-American, 0.048%; no homozygotes.

Submission:

Labcorp Genetics (formerly Invitae), Labcorp
Classification: Uncertain significance. Last evaluated: 2022-10-05. Review status: criteria provided, single submitter. Criteria: Invitae Variant Classification Sherloc (09022015). Collection method: clinical testing. Allele origin: germline.
Comment: This sequence change replaces aspartic acid, which is acidic and polar, with glycine, which is neutral and non-polar, at codon 200 of the NSMCE3 protein (p.Asp200Gly). This variant is present in population databases (rs370108990, gnomAD 0.04%). This variant has not been reported in the literature in individuals affected with NSMCE3-related conditions. Advanced modeling of protein sequence and biophysical properties (such as structural, functional, and spatial information, amino acid conservation, physicochemical variation, residue mobility, and thermodynamic stability) performed at Invitae indicates that this missense variant is not expected to disrupt NSMCE3 protein function. In summary, the available evidence is currently insufficient to determine the role of this variant in disease. Therefore, it has been classified as a Variant of Uncertain Significance.